The following is an entry in ClinVar:

ClinVar aggregate classification (germline): Uncertain significance. Review status: criteria provided, multiple submitters, no conflicts (2 of 4 stars). 2 submissions from 2 submitters: Uncertain significance (2). Last evaluated 2025-03-04.

Conditions:
Hereditary cancer-predisposing syndrome. Also called: Neoplastic Syndromes, Hereditary; Tumor predisposition; Hereditary neoplastic syndrome; Hereditary Cancer Syndrome. Identifiers: Orphanet 140162, MedGen C0027672, MeSH D009386, MONDO:0015356.

Submissions (2):

Color Diagnostics, LLC DBA Color Health
Classification: Uncertain significance for Hereditary cancer-predisposing syndrome. Last evaluated: 2025-03-04. Review status: criteria provided, single submitter. Criteria: ACMG Guidelines, 2015. Collection method: clinical testing. Allele origin: germline.
Comment: This missense variant replaces aspartic acid with asparagine at codon 1083 of the APC protein. Computational prediction suggests that this variant may not impact protein structure and function. To our knowledge, functional studies have not been reported for this variant. This variant has not been reported in individuals affected with APC-related disorders in the literature. This variant has not been identified in the general population by the Genome Aggregation Database (gnomAD). The available evidence is insufficient to determine the role of this variant in disease conclusively. Therefore, this variant is classified as a Variant of Uncertain Significance.

Ambry Genetics
Classification: Uncertain significance for Hereditary cancer-predisposing syndrome. Last evaluated: 2024-03-08. Review status: criteria provided, single submitter. Criteria: Ambry Variant Classification Scheme 2023. Collection method: clinical testing. Allele origin: germline.
Comment: The p.D1083N variant (also known as c.3247G>A), located in coding exon 15 of the APC gene, results from a G to A substitution at nucleotide position 3247. The aspartic acid at codon 1083 is replaced by asparagine, an amino acid with highly similar properties. This amino acid position is well conserved in available vertebrate species. In addition, in silico predictors for this gene do not accurately predict pathogenicity. Based on the available evidence, the clinical significance of this alteration remains unclear.

NM_000038.6(APC):c.3247G>A (p.Asp1083Asn)

Gene: APC (APC regulator of Wnt signaling pathway; plus strand). Cytogenetic location: 5q22.2.
Variant type: single nucleotide variant.
Coding change: c.3247G>A on transcript NM_000038.6 (MANE Select); coding-DNA position 3247, G replaced by A.
Protein change: p.Asp1083Asn; replaces aspartic acid 1083 with asparagine.
Molecular consequence: missense variant. On other transcripts: non-coding transcript variant (2).
Genome position (GRCh38, 1-based): chr5:112,838,841, G>A. VCF-style: chr5-112838841-G-A. GRCh37 (hg19) VCF-style: chr5-112174538-G-A.
Other names: c.3247G>A, p.Asp1083Asn (NM_001127510.3, NM_001354895.2, NM_001407450.1); c.3193G>A, p.Asp1065Asn (NM_001127511.3); c.3301G>A, p.Asp1101Asn (NM_001354896.2, NM_001407447.1, NM_001407448.1 and 1 more transcripts); c.3277G>A, p.Asp1093Asn (NM_001354897.2); c.3172G>A, p.Asp1058Asn (NM_001354898.2); c.3163G>A, p.Asp1055Asn (NM_001354899.2); c.3124G>A, p.Asp1042Asn (NM_001354900.2); c.3070G>A, p.Asp1024Asn (NM_001354901.2, NM_001407453.1); and 11 more; short protein forms D1000N, D1024N, D1042N, D1055N, D1058N, D1065N, D1073N, D1076N.
Identifiers: ClinVar variation 3228303 (VCV003228303.2), dbSNP rs1765373598, ClinGen allele CA16028454.
Genomic context (GRCh38, chr5:112,838,841, plus strand): 5'-AGTGAGCAAAGACAATCAAGGAATCAAAGTACAACTTATCCTGTTTATACTGAGAGCACT[G>A]ATGATAAACACCTCAAGTTCCAACCACATTTTGGACAGCAGGAATGTGTTTCTCCATACA-3'
Protein context (NP_000029.2, residues 1073-1093): TTYPVYTEST[Asp1083Asn]DKHLKFQPHF